The following is an entry in ClinVar:

ClinVar aggregate classification (germline): Pathogenic (1 of 4 stars; one submission).

Conditions:
Autosomal recessive nonsyndromic hearing loss 8 (DFNB8). Also called: NEUROSENSORY NONSYNDROMIC RECESSIVE DEAFNESS 8; Deafness, autosomal recessive 10. Identifiers: Orphanet 90636, MedGen C1832827, MONDO:0010987, OMIM 601072.

Submission:

Center of Genomic medicine, Geneva, University Hospital of Geneva
Classification: Pathogenic for Autosomal recessive nonsyndromic hearing loss 8. Last evaluated: 2021-02-10. Review status: criteria provided, single submitter. Criteria: ACMG Guidelines, 2015. Collection method: clinical testing. Allele origin: maternal. Affected: yes. Observed: 1 variant allele.

NM_001256317.3(TMPRSS3):c.749del (p.Leu250fs)

Gene: TMPRSS3 (transmembrane serine protease 3; minus strand). Cytogenetic location: 21q22.3.
Variant type: Deletion.
Coding change: c.749del on transcript NM_001256317.3 (MANE Select); coding-DNA position 749, one base deleted (T; older notation c.749delT).
Protein change: p.Leu250fs; shifts the reading frame from leucine 250.
Molecular consequence: frameshift variant.
Genome position (GRCh38, 1-based): chr21:42,383,066, A deleted on the plus strand (T on the coding strand, the reverse complement: TMPRSS3 is on the minus strand). VCF-style (leftmost placement, unchanged base first): chr21-42383065-CA-C. GRCh37 (hg19) VCF-style: chr21-43803174-CA-C.
Other names: c.749delT (NM_001256317.3); c.749del, p.Leu250fs (NM_024022.4, NM_032405.2); c.368del, p.Leu123fs (NM_032404.3); short protein forms L123fs, L250fs.
Identifiers: ClinVar variation 1175711 (VCV001175711.2), dbSNP rs2146436212, ClinGen allele CA2573054940.